The following is an entry in ClinVar:

NM_006854.4(KDELR2):c.258C>T (p.Tyr86=)

Gene: KDELR2 (KDEL endoplasmic reticulum protein retention receptor 2; minus strand). Cytogenetic location: 7p22.1.
Variant type: single nucleotide variant.
Coding change: c.258C>T on transcript NM_006854.4 (MANE Select); coding-DNA position 258, C replaced by T.
Protein change: p.Tyr86=; no amino-acid change (tyrosine 86 retained).
Molecular consequence: synonymous variant.
Genome position (GRCh38, 1-based): chr7:6,469,689, G>A on the plus strand (C>T on the coding strand, the complement: KDELR2 is on the minus strand). VCF-style: chr7-6469689-G-A. GRCh37 (hg19) VCF-style: chr7-6509320-G-A.
Other names: c.258C>T, p.Tyr86= (NM_001100603.2).
Identifiers: ClinVar variation 3388343 (VCV003388343.14).

ClinVar aggregate classification (germline): Likely benign (1 of 4 stars; one submission).

Submission:

CeGaT Center for Human Genetics Tuebingen
Classification: Likely benign. Last evaluated: 2024-10-01. Review status: criteria provided, single submitter. Criteria: CeGaT Center For Human Genetics Tuebingen Variant Classification Criteria Version 2. Collection method: clinical testing. Allele origin: germline. Affected: yes. Observed: 1 variant allele.
Comment: KDELR2: BP4, BP7